The following is an entry in ClinVar:

NM_005654.6(NR2F1):c.717C>G (p.Phe239Leu)

Gene: NR2F1 (nuclear receptor subfamily 2 group F member 1; plus strand). Cytogenetic location: 5q15.
Variant type: single nucleotide variant.
Coding change: c.717C>G on transcript NM_005654.6 (MANE Select); coding-DNA position 717, C replaced by G.
Protein change: p.Phe239Leu; replaces phenylalanine 239 with leucine.
Molecular consequence: missense variant.
Genome position (GRCh38, 1-based): chr5:93,588,170, C>G. VCF-style: chr5-93588170-C-G. GRCh37 (hg19) VCF-style: chr5-92923876-C-G.
Other names: c.267C>G, p.Phe89Leu (NM_001410754.1); short protein forms F239L, F89L.
Identifiers: ClinVar variation 2748880 (VCV002748880.3), dbSNP rs2480808869, ClinGen allele CA360526931.

ClinVar aggregate classification (germline): Uncertain significance (1 of 4 stars; one submission).

Submission:

Labcorp Genetics (formerly Invitae), Labcorp
Classification: Uncertain significance. Last evaluated: 2023-07-31. Review status: criteria provided, single submitter. Criteria: Invitae Variant Classification Sherloc (09022015). Collection method: clinical testing. Allele origin: germline.
Comment: In summary, the available evidence is currently insufficient to determine the role of this variant in disease. Therefore, it has been classified as a Variant of Uncertain Significance. Advanced modeling of protein sequence and biophysical properties (such as structural, functional, and spatial information, amino acid conservation, physicochemical variation, residue mobility, and thermodynamic stability) performed at Invitae indicates that this missense variant is not expected to disrupt NR2F1 protein function. This variant has not been reported in the literature in individuals affected with NR2F1-related conditions. This variant is not present in population databases (gnomAD no frequency). This sequence change replaces phenylalanine, which is neutral and non-polar, with leucine, which is neutral and non-polar, at codon 239 of the NR2F1 protein (p.Phe239Leu).